The following is an entry in ClinVar:

NM_020975.6(RET):c.1129A>G (p.Asn377Asp)

Gene: RET (ret proto-oncogene; plus strand). Cytogenetic location: 10q11.21.
Variant type: single nucleotide variant.
Coding change: c.1129A>G on transcript NM_020975.6 (MANE Select); coding-DNA position 1129, A replaced by G.
Protein change: p.Asn377Asp; replaces asparagine 377 with aspartic acid.
Molecular consequence: missense variant.
Genome position (GRCh38, 1-based): chr10:43,109,096, A>G. VCF-style: chr10-43109096-A-G. GRCh37 (hg19) VCF-style: chr10-43604544-A-G.
Other names: c.1129A>G, p.Asn377Asp (NM_001406744.1, NM_001406759.1, NM_001406760.1 and 6 more transcripts); c.367A>G, p.Asn123Asp (NM_001355216.2); c.1000A>G, p.Asn334Asp (NM_001406761.1, NM_001406762.1, NM_001406764.1 and 1 more transcripts); c.841A>G, p.Asn281Asp (NM_001406766.1, NM_001406767.1, NM_001406770.1); c.691A>G, p.Asn231Asp (NM_001406771.1, NM_001406773.1); c.403A>G, p.Asn135Asp (NM_001406775.1, NM_001406776.1, NM_001406777.1 and 1 more transcripts); c.139A>G, p.Asn47Asp (NM_001406784.1); short protein forms N281D, N135D, N231D, N123D, N334D, N377D, N47D.
Identifiers: ClinVar variation 2161746 (VCV002161746.7), dbSNP rs1837853115, ClinGen allele CA376547408.

ClinVar aggregate classification (germline): Uncertain significance. Review status: criteria provided, multiple submitters, no conflicts (2 of 4 stars). 4 submissions from 4 submitters: Uncertain significance (4). Last evaluated 2024-07-29.

Conditions:
Multiple endocrine neoplasia, type 2 (MEN2). Identifiers: Orphanet 653, MedGen C4048306, MONDO:0019003. Disease mechanism: gain of function.
Hereditary cancer-predisposing syndrome. Also called: Hereditary Cancer Syndrome; Neoplastic Syndromes, Hereditary; Tumor predisposition; Hereditary neoplastic syndrome. Identifiers: Orphanet 140162, MedGen C0027672, MeSH D009386, MONDO:0015356.

Submissions (4):

All of Us Research Program, National Institutes of Health
Classification: Uncertain significance for Multiple endocrine neoplasia, type 2. Last evaluated: 2024-07-29. Review status: criteria provided, single submitter. Criteria: ACMG Guidelines, 2015. Collection method: clinical testing. Allele origin: germline. Inheritance: Autosomal dominant inheritance. Observed: 2 variant alleles, 2 heterozygotes.
Comment: This missense variant replaces asparagine with aspartic acid at codon 377 of the RET protein. Computational prediction suggests that this variant may not impact protein structure and function (internally defined REVEL score threshold <= 0.5, PMID: 27666373). To our knowledge, functional studies have not been reported for this variant. This variant has not been reported in individuals affected with RET-related disorders in the literature. This variant has not been identified in the general population by the Genome Aggregation Database (gnomAD). The available evidence is insufficient to determine the role of this variant in disease conclusively. Therefore, this variant is classified as a Variant of Uncertain Significance.

This study involves interpretation of variants in research participants for the purpose of population health screening. Participant phenotype was not available at the time of variant classification. Additional details can be found in publication PMID: 35346344, PMCID: PMC8962531

Color Diagnostics, LLC DBA Color Health
Classification: Uncertain significance for Multiple endocrine neoplasia, type 2. Last evaluated: 2024-06-20. Review status: criteria provided, single submitter. Criteria: ACMG Guidelines, 2015. Collection method: clinical testing. Allele origin: germline.
Comment: This missense variant replaces asparagine with aspartic acid at codon 377 of the RET protein. Computational prediction suggests that this variant may not impact protein structure and function. To our knowledge, functional studies have not been reported for this variant. This variant has not been reported in individuals affected with RET-related disorders in the literature. This variant has not been identified in the general population by the Genome Aggregation Database (gnomAD). The available evidence is insufficient to determine the role of this variant in disease conclusively. Therefore, this variant is classified as a Variant of Uncertain Significance.

Ambry Genetics
Classification: Uncertain significance for Hereditary cancer-predisposing syndrome. Last evaluated: 2023-11-11. Review status: criteria provided, single submitter. Criteria: Ambry Variant Classification Scheme 2023. Collection method: clinical testing. Allele origin: germline.
Comment: The p.N377D variant (also known as c.1129A>G), located in coding exon 6 of the RET gene, results from an A to G substitution at nucleotide position 1129. The asparagine at codon 377 is replaced by aspartic acid, an amino acid with highly similar properties. This amino acid position is conserved. In addition, this alteration is predicted to be tolerated by in silico analysis. Since supporting evidence is limited at this time, the clinical significance of this alteration remains unclear.

Labcorp Genetics (formerly Invitae), Labcorp
Classification: Uncertain significance for Multiple endocrine neoplasia, type 2. Last evaluated: 2022-08-06. Review status: criteria provided, single submitter. Criteria: Invitae Variant Classification Sherloc (09022015). Collection method: clinical testing. Allele origin: germline.
Comment: This variant has not been reported in the literature in individuals affected with RET-related conditions. This sequence change replaces asparagine, which is neutral and polar, with aspartic acid, which is acidic and polar, at codon 377 of the RET protein (p.Asn377Asp). This variant is not present in population databases (gnomAD no frequency). Algorithms developed to predict the effect of missense changes on protein structure and function are either unavailable or do not agree on the potential impact of this missense change (SIFT: "Tolerated"; PolyPhen-2: "Possibly Damaging"; Align-GVGD: "Class C0"). In summary, the available evidence is currently insufficient to determine the role of this variant in disease. Therefore, it has been classified as a Variant of Uncertain Significance.